The following is an entry in ClinVar:

ClinVar aggregate classification (germline): Uncertain significance (1 of 4 stars; one submission).

Conditions:
Aicardi-Goutieres syndrome 4. Identifiers: Orphanet 51, MedGen C1835912, MONDO:0012472, OMIM 610333.

Submission:

Labcorp Genetics (formerly Invitae), Labcorp
Classification: Uncertain significance for Aicardi-Goutieres syndrome 4. Last evaluated: 2022-11-01. Review status: criteria provided, single submitter. Criteria: Invitae Variant Classification Sherloc (09022015). Collection method: clinical testing. Allele origin: germline.
Comment: This variant results in a copy number gain of the genomic region encompassing exon(s) 7-8 of the RNASEH2A gene. This region includes the termination codon of the gene. This copy number gain extends beyond the assayed region for this gene and therefore may encompass additional genes. As the precise location of this event is unknown, it may be in tandem or it may be located elsewhere in the genome. In summary, the available evidence is currently insufficient to determine the role of this variant in disease. Therefore, it has been classified as a Variant of Uncertain Significance. Experimental studies and prediction algorithms are not available or were not evaluated, and the functional significance of this variant is currently unknown. This variant has not been reported in the literature in individuals affected with RNASEH2A-related conditions.

NC_000019.9:g.(?_12923877)_(12924280_?)dup

Gene: RNASEH2A (ribonuclease H2 subunit A; plus strand). Cytogenetic location: 19p13.2.
Variant type: Duplication.
Identifiers: ClinVar variation 2425589 (VCV002425589.2).